The following is an entry in ClinVar:

ClinVar aggregate classification (germline): Uncertain significance (1 of 4 stars; one submission).

Submission:

GeneDx
Classification: Uncertain significance. Last evaluated: 2024-12-13. Review status: criteria provided, single submitter. Criteria: GeneDx Variant Classification Process June 2021. Collection method: clinical testing. Allele origin: germline. Affected: yes.
Comment: Not observed at significant frequency in large population cohorts (gnomAD); In silico analysis supports that this missense variant has a deleterious effect on protein structure/function; Has not been previously published as pathogenic or benign to our knowledge

NM_017780.4(CHD7):c.3566G>T (p.Arg1189Leu)

Gene: CHD7 (chromodomain helicase DNA binding protein 7; plus strand). Cytogenetic location: 8q12.2.
Variant type: single nucleotide variant.
Coding change: c.3566G>T on transcript NM_017780.4 (MANE Select); coding-DNA position 3566, G replaced by T.
Protein change: p.Arg1189Leu; replaces arginine 1189 with leucine.
Molecular consequence: missense variant. On other transcripts: intron variant (1).
Genome position (GRCh38, 1-based): chr8:60,830,365, G>T. VCF-style: chr8-60830365-G-T. GRCh37 (hg19) VCF-style: chr8-61742924-G-T.
Other names: c.1717-31864G>T (NM_001316690.1); short protein forms R1189L.
Identifiers: ClinVar variation 3903007 (VCV003903007.1).